The following is an entry in ClinVar:

NM_006612.6(KIF1C):c.701C>T (p.Thr234Met)

Gene: KIF1C (kinesin family member 1C; plus strand). Cytogenetic location: 17p13.2.
Variant type: single nucleotide variant.
Coding change: c.701C>T on transcript NM_006612.6 (MANE Select); coding-DNA position 701, C replaced by T.
Protein change: p.Thr234Met; replaces threonine 234 with methionine.
Molecular consequence: missense variant.
Genome position (GRCh38, 1-based): chr17:5,002,823, C>T. VCF-style: chr17-5002823-C-T. GRCh37 (hg19) VCF-style: chr17-4906118-C-T.
Other names: short protein forms T234M.
Identifiers: ClinVar variation 1029056 (VCV001029056.9), dbSNP rs201655443, ClinGen allele CA8318647.

ClinVar aggregate classification (germline): Uncertain significance. Review status: criteria provided, multiple submitters, no conflicts (2 of 4 stars). 3 submissions from 3 submitters: Uncertain significance (3). Last evaluated 2024-10-14.

Conditions:
Spastic ataxia 2. Also called: Ataxia, spastic, 2, autosomal recessive. Identifiers: Orphanet 397946, MedGen C1969796, MONDO:0012651, OMIM 611302.
Inborn genetic diseases. Identifiers: MedGen C0950123, MeSH D030342.

Allele frequency attached by ClinVar (database versions not stated): gnomAD exomes 0.00006; ExAC 0.00007; TOPMed 0.00011; gnomAD 0.00012 and 0.00013; ESP Exome Variant Server 0.00023.
gnomAD v4.1: 106 of 1,609,850 alleles (0.0066%); highest among the groups gnomAD compares: African/African-American, 0.012%; no homozygotes.

Submissions (3):

Labcorp Genetics (formerly Invitae), Labcorp
Classification: Uncertain significance for Spastic ataxia 2. Last evaluated: 2024-10-14. Review status: criteria provided, single submitter. Criteria: Invitae Variant Classification Sherloc (09022015). Collection method: clinical testing. Allele origin: germline.
Comment: This sequence change replaces threonine, which is neutral and polar, with methionine, which is neutral and non-polar, at codon 234 of the KIF1C protein (p.Thr234Met). This variant is present in population databases (rs201655443, gnomAD 0.02%). This variant has not been reported in the literature in individuals affected with KIF1C-related conditions. ClinVar contains an entry for this variant (Variation ID: 1029056). Invitae Evidence Modeling of protein sequence and biophysical properties (such as structural, functional, and spatial information, amino acid conservation, physicochemical variation, residue mobility, and thermodynamic stability) indicates that this missense variant is expected to disrupt KIF1C protein function with a positive predictive value of 80%. In summary, the available evidence is currently insufficient to determine the role of this variant in disease. Therefore, it has been classified as a Variant of Uncertain Significance.

Ambry Genetics
Classification: Uncertain significance for Inborn genetic diseases. Last evaluated: 2021-09-15. Review status: criteria provided, single submitter. Criteria: Ambry Variant Classification Scheme 2023. Collection method: clinical testing. Allele origin: germline.

Baylor Genetics
Classification: Uncertain significance for Spastic ataxia 2. Last evaluated: 2020-09-11. Review status: criteria provided, single submitter. Criteria: ACMG Guidelines, 2015. Collection method: clinical testing. Allele origin: unknown. Affected: yes.
Comment: This variant was determined to be of uncertain significance according to ACMG Guidelines, 2015 [PMID:25741868].